The following is an entry in ClinVar:

ClinVar aggregate classification (germline): Uncertain significance (1 of 4 stars; one submission).

Conditions:
Hereditary cancer-predisposing syndrome. Also called: Neoplastic Syndromes, Hereditary; Tumor predisposition; Hereditary neoplastic syndrome; Hereditary Cancer Syndrome. Identifiers: Orphanet 140162, MedGen C0027672, MeSH D009386, MONDO:0015356.

Submission:

Ambry Genetics
Classification: Uncertain significance for Hereditary cancer-predisposing syndrome. Last evaluated: 2023-02-13. Review status: criteria provided, single submitter. Criteria: Ambry Variant Classification Scheme 2023. Collection method: clinical testing. Allele origin: germline.
Comment: The p.D692N variant (also known as c.2074G>A), located in coding exon 13 of the SMARCA4 gene, results from a G to A substitution at nucleotide position 2074. The aspartic acid at codon 692 is replaced by asparagine, an amino acid with highly similar properties. This amino acid position is well conserved in available vertebrate species. In addition, this alteration is predicted to be tolerated by in silico analysis. Missense and in-frame variants in SMARCA4 are known to cause neurodevelopmental disorders; however, such associations with rhabdoid tumor predisposition syndrome including small cell carcinoma of the ovary-hypercalcemic type (SCCOHT) are exceedingly rare (Kosho T et al. Am J Med Genet C Semin Med Genet. 2014 Sep;166C(3):262-75; Jelinic P et al. Nat Genet. 2014 May;46(5):424-6). Based on the supporting evidence, the association of this alteration with Coffin-Siris syndrome is unknown; however, the association of this alteration with rhabdoid tumor predisposition syndrome including SCCOHT is unlikely.

NM_003072.5(SMARCA4):c.2074G>A (p.Asp692Asn)

Gene: SMARCA4 (SWI/SNF related BAF chromatin remodeling complex subunit ATPase 4; plus strand). Cytogenetic location: 19p13.2.
Variant type: single nucleotide variant.
Coding change: c.2074G>A on transcript NM_003072.5 (MANE Select); coding-DNA position 2074, G replaced by A.
Protein change: p.Asp692Asn; replaces aspartic acid 692 with asparagine.
Molecular consequence: missense variant. On other transcripts: non-coding transcript variant (1).
Genome position (GRCh38, 1-based): chr19:11,007,974, G>A. VCF-style: chr19-11007974-G-A. GRCh37 (hg19) VCF-style: chr19-11118650-G-A.
Other names: c.2074G>A, p.Asp692Asn (NM_001128844.3, NM_001128845.2, NM_001128846.2 and 6 more transcripts); short protein forms D692N.
Identifiers: ClinVar variation 2452871 (VCV002452871.2), dbSNP rs2146192399, ClinGen allele CA404052519.